The following is an entry in ClinVar:

ClinVar aggregate classification (germline): Uncertain significance (1 of 4 stars; one submission).

Conditions:
Multiple congenital anomalies-hypotonia-seizures syndrome 1 (MCAHS1). Also called: PIGN-CDG; Congenital disorder of glycosylation due to PIGN deficiency; GLYCOSYLPHOSPHATIDYLINOSITOL BIOSYNTHESIS DEFECT 3. Identifiers: Orphanet 280633, MedGen C3279775, MONDO:0013563, OMIM 614080.

Allele frequency attached by ClinVar (database versions not stated): TOPMed below 0.00001; ExAC 0.00001; gnomAD exomes 0.00001.
gnomAD v4.1: 16 of 1,613,692 alleles (0.00099%); highest among the groups gnomAD compares: Non-Finnish European, 0.0014%; no homozygotes.

Submission:

Labcorp Genetics (formerly Invitae), Labcorp
Classification: Uncertain significance for Multiple congenital anomalies-hypotonia-seizures syndrome 1. Last evaluated: 2025-01-06. Review status: criteria provided, single submitter. Criteria: Invitae Variant Classification Sherloc (09022015). Collection method: clinical testing. Allele origin: germline.
Comment: This sequence change replaces methionine, which is neutral and non-polar, with valine, which is neutral and non-polar, at codon 32 of the PIGN protein (p.Met32Val). This variant is present in population databases (rs763448928, gnomAD 0.002%). This variant has not been reported in the literature in individuals affected with PIGN-related conditions. ClinVar contains an entry for this variant (Variation ID: 539549). Invitae Evidence Modeling of protein sequence and biophysical properties (such as structural, functional, and spatial information, amino acid conservation, physicochemical variation, residue mobility, and thermodynamic stability) indicates that this missense variant is not expected to disrupt PIGN protein function with a negative predictive value of 80%. In summary, the available evidence is currently insufficient to determine the role of this variant in disease. Therefore, it has been classified as a Variant of Uncertain Significance.

NM_176787.5(PIGN):c.94A>G (p.Met32Val)

Gene: PIGN (phosphatidylinositol glycan anchor biosynthesis class N; minus strand). Cytogenetic location: 18q21.33.
Variant type: single nucleotide variant.
Coding change: c.94A>G on transcript NM_176787.5 (MANE Select); coding-DNA position 94, A replaced by G.
Protein change: p.Met32Val; replaces methionine 32 with valine.
Molecular consequence: missense variant.
Genome position (GRCh38, 1-based): chr18:62,161,260, T>C on the plus strand (A>G on the coding strand, the complement: PIGN is on the minus strand). VCF-style: chr18-62161260-T-C. GRCh37 (hg19) VCF-style: chr18-59828493-T-C.
Other names: c.94A>G, p.Met32Val (NM_012327.6); short protein forms M32V.
Identifiers: ClinVar variation 539549 (VCV000539549.8), dbSNP rs763448928, ClinGen allele CA8982662.